The following is an entry in ClinVar:

ClinVar aggregate classification (germline): Uncertain significance (1 of 4 stars; one submission).

Conditions:
Hereditary breast ovarian cancer syndrome. Also called: Hereditary breast and ovarian cancer syndrome (HBOC); Breast and ovarian cancer; Hereditary breast and ovarian cancer; Hereditary breast and ovarian cancer syndrome; BRCA1- and BRCA2-Associated Hereditary Breast and Ovarian Cancer; Hereditary breast and/or ovarian cancer syndrome. Identifiers: Orphanet 145, MedGen C0677776, MeSH D061325, MONDO:0003582. Disease mechanism: loss of function.

Submission:

Labcorp Genetics (formerly Invitae), Labcorp
Classification: Uncertain significance for Hereditary breast ovarian cancer syndrome. Last evaluated: 2023-11-05. Review status: criteria provided, single submitter. Criteria: Invitae Variant Classification Sherloc (09022015). Collection method: clinical testing. Allele origin: germline.
Comment: This sequence change replaces glutamic acid, which is acidic and polar, with aspartic acid, which is acidic and polar, at codon 215 of the BRCA2 protein (p.Glu215Asp). This variant is not present in population databases (gnomAD no frequency). This variant has not been reported in the literature in individuals affected with BRCA2-related conditions. Advanced modeling of protein sequence and biophysical properties (such as structural, functional, and spatial information, amino acid conservation, physicochemical variation, residue mobility, and thermodynamic stability) performed at Invitae indicates that this missense variant is not expected to disrupt BRCA2 protein function with a negative predictive value of 95%. In summary, the available evidence is currently insufficient to determine the role of this variant in disease. Therefore, it has been classified as a Variant of Uncertain Significance.

NM_000059.4(BRCA2):c.645A>T (p.Glu215Asp)

Gene: BRCA2 (BRCA2 DNA repair associated; plus strand). Cytogenetic location: 13q13.1.
Variant type: single nucleotide variant.
Coding change: c.645A>T on transcript NM_000059.4 (MANE Select); coding-DNA position 645, A replaced by T.
Protein change: p.Glu215Asp; replaces glutamic acid 215 with aspartic acid.
Molecular consequence: missense variant. On other transcripts: non-coding transcript variant (1).
Genome position (GRCh38, 1-based): chr13:32,329,456, A>T. VCF-style: chr13-32329456-A-T. GRCh37 (hg19) VCF-style: chr13-32903593-A-T.
Other names: c.645A>T, p.Glu215Asp (NM_001406719.1, NM_001406720.1, NM_001406721.1); c.276A>T, p.Glu92Asp (NM_001406722.1); short protein forms E215D, E92D.
Identifiers: ClinVar variation 2693378 (VCV002693378.3), dbSNP rs2137458220, ClinGen allele CA387759398.